The following is an entry in ClinVar:

ClinVar aggregate classification (germline): Conflicting classifications of pathogenicity. Review status: criteria provided, conflicting classifications (1 of 4 stars). 4 submissions from 4 submitters: Uncertain significance (3); Likely benign (1). Last evaluated 2026-06-15.

Conditions:
KIF1B-related disorder. Also called: KIF1B-related condition.
Charcot-Marie-Tooth disease type 2. Also called: Charcot-Marie-Tooth type 2. Identifiers: Orphanet 64746, MedGen C0270914, MONDO:0018993.

Allele frequency attached by ClinVar (database versions not stated): ExAC 0.00001; gnomAD 0.00001; TOPMed 0.00002; gnomAD exomes 0.00005.
gnomAD v4.1: 16 of 1,613,110 alleles (0.00099%); highest among the groups gnomAD compares: Admixed American, 0.027%; no homozygotes.

Submissions (4):

PreventionGenetics, part of Exact Sciences
Classification: Uncertain significance for KIF1B-related condition. Last evaluated: 2026-06-15. Review status: criteria provided, single submitter. Criteria: ACMG Guidelines, 2015. Collection method: clinical testing. Allele origin: germline.
Comment: The KIF1B c.5153C>T variant is predicted to result in the amino acid substitution p.Thr1718Ile. To our knowledge, this variant has not been reported in the literature. This variant is reported in 0.042% of alleles in individuals of Latino descent in gnomAD and has conflicting interpretations in ClinVar ranging from uncertain significance to likely benign (Variation ID: 1419359). Although we suspect that this variant may be benign, at this time, the clinical significance of this variant is uncertain due to the absence of conclusive functional and genetic evidence.

CeGaT Center for Human Genetics Tuebingen
Classification: Uncertain significance. Last evaluated: 2025-11-01. Review status: criteria provided, single submitter. Criteria: CeGaT Center For Human Genetics Tuebingen Variant Classification Criteria Version 2. Collection method: clinical testing. Allele origin: germline. Affected: yes. Observed: 1 variant allele.

Labcorp Genetics (formerly Invitae), Labcorp
Classification: Uncertain significance for Charcot-Marie-Tooth disease type 2. Last evaluated: 2024-08-11. Review status: criteria provided, single submitter. Criteria: Invitae Variant Classification Sherloc (09022015). Collection method: clinical testing. Allele origin: germline.
Comment: This sequence change replaces threonine, which is neutral and polar, with isoleucine, which is neutral and non-polar, at codon 1718 of the KIF1B protein (p.Thr1718Ile). This variant is present in population databases (rs777106047, gnomAD 0.04%), and has an allele count higher than expected for a pathogenic variant. This variant has not been reported in the literature in individuals affected with KIF1B-related conditions. ClinVar contains an entry for this variant (Variation ID: 1419359). An algorithm developed to predict the effect of missense changes on protein structure and function (PolyPhen-2) suggests that this variant is likely to be tolerated. In summary, the available evidence is currently insufficient to determine the role of this variant in disease. Therefore, it has been classified as a Variant of Uncertain Significance.

Ambry Genetics
Classification: Likely benign. Last evaluated: 2020-10-09. Review status: criteria provided, single submitter. Criteria: Ambry Variant Classification Scheme 2023. Collection method: clinical testing. Allele origin: germline.

NM_001365951.3(KIF1B):c.5291C>T (p.Thr1764Ile)

Gene: KIF1B (kinesin family member 1B; plus strand). Cytogenetic location: 1p36.22.
Variant type: single nucleotide variant.
Coding change: c.5291C>T on transcript NM_001365951.3 (MANE Select); coding-DNA position 5291, C replaced by T.
Protein change: p.Thr1764Ile; replaces threonine 1764 with isoleucine.
Molecular consequence: missense variant.
Genome position (GRCh38, 1-based): chr1:10,375,256, C>T. VCF-style: chr1-10375256-C-T. GRCh37 (hg19) VCF-style: chr1-10435314-C-T.
Other names: c.5291C>T, p.Thr1764Ile (NM_001365952.1); c.5153C>T, p.Thr1718Ile (NM_015074.3); short protein forms T1764I, T1718I.
Identifiers: ClinVar variation 1419359 (VCV001419359.15), dbSNP rs777106047, ClinGen allele CA582313.